The following is an entry in ClinVar:

NC_000010.10:g.(?_27411750)_(27443139_?)dup

Gene: YME1L1 (YME1 like 1 ATPase; minus strand). Cytogenetic location: 10p12.1.
Variant type: Duplication.
Identifiers: ClinVar variation 3245039 (VCV003245039.1).

ClinVar aggregate classification (germline): Uncertain significance (1 of 4 stars; one submission).

Submission:

Labcorp Genetics (formerly Invitae), Labcorp
Classification: Uncertain significance. Last evaluated: 2023-10-03. Review status: criteria provided, single submitter. Criteria: Invitae Variant Classification Sherloc (09022015). Collection method: clinical testing. Allele origin: unknown.
Comment: This variant results in a copy number gain of the genomic region encompassing exon(s) 1-12 of the YME1L1 gene. This region includes the initiator codon of the gene. This copy number gain extends beyond the assayed region for this gene and therefore may encompass additional genes. As the precise location of this event is unknown, it may be in tandem or it may be located elsewhere in the genome. This variant has not been reported in the literature in individuals affected with YME1L1-related conditions. In summary, the available evidence is currently insufficient to determine the role of this variant in disease. Therefore, it has been classified as a Variant of Uncertain Significance.